The following is an entry in ClinVar:

ClinVar aggregate classification (germline): Uncertain significance (1 of 4 stars; one submission).

Conditions:
Asphyxiating thoracic dystrophy 3. Also called: Short rib polydactyly syndrome 2B; Saldino-Noonan Syndrome; POLYDACTYLY WITH NEONATAL CHONDRODYSTROPHY, TYPE I; SHORT-RIB THORACIC DYSPLASIA 3/6 WITH POLYDACTYLY, DIGENIC; SHORT-RIB THORACIC DYSPLASIA 3 WITH OR WITHOUT POLYDACTYLY. Identifiers: Orphanet 474, Orphanet 93269, Orphanet 93270, Orphanet 93271, MedGen C0036069, MONDO:0013127, OMIM 613091.

gnomAD v4.1: 1 of 1,586,298 alleles (0.000063%); no homozygotes.

Submission:

Juno Genomics, Hangzhou Juno Genomics, Inc
Classification: Uncertain significance for Asphyxiating thoracic dystrophy 3. Review status: criteria provided, single submitter. Criteria: ACMG Guidelines, 2015. Collection method: clinical testing. Allele origin: germline.
Comment: Absent from controls (or at extremely low frequency if recessive) in Genome Aggregation Database.

NM_001377.3(DYNC2H1):c.10028A>T (p.Asp3343Val)

Gene: DYNC2H1 (dynein cytoplasmic 2 heavy chain 1; plus strand). Cytogenetic location: 11q22.3.
Variant type: single nucleotide variant.
Coding change: c.10028A>T on transcript NM_001377.3 (MANE Select); coding-DNA position 10028, A replaced by T.
Protein change: p.Asp3343Val; replaces aspartic acid 3343 with valine.
Molecular consequence: missense variant.
Genome position (GRCh38, 1-based): chr11:103,245,360, A>T. VCF-style: chr11-103245360-A-T. GRCh37 (hg19) VCF-style: chr11-103116089-A-T.
Other names: c.10049A>T, p.Asp3350Val (NM_001080463.2); short protein forms D3343V, D3350V.
Identifiers: ClinVar variation 5019006 (VCV005019006.3).